The following is an entry in ClinVar:

NM_000138.5(FBN1):c.1746C>T (p.Cys582=)

Gene: FBN1 (fibrillin 1; minus strand). Cytogenetic location: 15q21.1.
Variant type: single nucleotide variant.
Coding change: c.1746C>T on transcript NM_000138.5 (MANE Select); coding-DNA position 1746, C replaced by T.
Protein change: p.Cys582=; no amino-acid change (cysteine 582 retained).
Molecular consequence: synonymous variant.
Genome position (GRCh38, 1-based): chr15:48,508,673, G>A on the plus strand (C>T on the coding strand, the complement: FBN1 is on the minus strand). VCF-style: chr15-48508673-G-A. GRCh37 (hg19) VCF-style: chr15-48800870-G-A.
Other names: p.C582C:TGC>TGT; p.Cys582=.
Identifiers: ClinVar variation 36041 (VCV000036041.83), dbSNP rs112366266, ClinGen allele CA012537.

ClinVar aggregate classification (germline): Benign/Likely benign. Review status: criteria provided, multiple submitters, no conflicts (2 of 4 stars). 29 submissions from 22 submitters: Benign (18); Likely benign (7). 4 of the submissions do not count toward it. Last evaluated 2026-09-01.

Conditions:
Connective tissue disorder. Also called: Connective tissue disease. Identifiers: MedGen C0009782, MONDO:0003900.
Geleophysic dysplasia. Identifiers: Orphanet 2623, MedGen C3489726, MONDO:0000127.
Weill-Marchesani syndrome. Also called: WM Syndrome; Mesodermal dysmorphodystrophy congenital. Identifiers: Orphanet 3449, MedGen C0265313, MONDO:0018096.
Familial thoracic aortic aneurysm and aortic dissection (TAAD). Also called: Thoracic aortic aneurysms and dissections. Identifiers: Orphanet 91387, MedGen C4707243, MONDO:0019625.
Marfan syndrome (MFS). Also called: Marfan syndrome, classic; FBN1-Related Marfan Syndrome; Marfan syndrome type 1; Marfan's syndrome; MARFAN SYNDROME, TYPE I. Identifiers: Orphanet 284963, Orphanet 558, MedGen C0024796, MONDO:0007947, OMIM 154700.
Acromicric dysplasia (ACMICD). Also called: Acromicric skeletal dysplasia. Identifiers: Orphanet 969, MedGen C0265287, MONDO:0007055, OMIM 102370.
Stiff skin syndrome (SSKS). Identifiers: Orphanet 2833, MedGen C1861456, MONDO:0008492, OMIM 184900.
Ectopia lentis 1, isolated, autosomal dominant (ECTOL1). Identifiers: Orphanet 1885, MedGen C3541518, MONDO:0007514, OMIM 129600.

Allele frequency attached by ClinVar (database versions not stated): ExAC 0.00292; gnomAD exomes 0.00654 and 0.00342; gnomAD 0.00436 and 0.00423; 1000 Genomes Project 30x 0.00187; 1000 Genomes Project 0.00200; ESP Exome Variant Server 0.00531; TOPMed 0.00403.
gnomAD v4.1: 10,265 of 1,613,700 alleles (0.64%); highest among the groups gnomAD compares: Non-Finnish European, 0.78%; 40 homozygotes.

Submissions (29):

CeGaT Center for Human Genetics Tuebingen
Classification: Benign. Last evaluated: 2026-09-01. Review status: criteria provided, single submitter. Criteria: CeGaT Center For Human Genetics Tuebingen Variant Classification Criteria Version 2. Collection method: clinical testing. Allele origin: germline. Affected: yes. Observed: 53 variant alleles.
Comment: FBN1: BP4, BP7, BS1, BS2

Labcorp Genetics (formerly Invitae), Labcorp
Classification: Benign for Marfan syndrome; Familial thoracic aortic aneurysm and aortic dissection. Last evaluated: 2026-02-03. Review status: criteria provided, single submitter. Criteria: Invitae Variant Classification Sherloc (09022015). Collection method: clinical testing. Allele origin: germline.

ARUP Laboratories, Molecular Genetics and Genomics, ARUP Laboratories
Classification: Benign. Last evaluated: 2025-07-29. Review status: criteria provided, single submitter. Criteria: ARUP Molecular Germline Variant Investigation Process 2024. Collection method: clinical testing. Allele origin: germline.

Molecular Diagnostic Laboratory for Inherited Cardiovascular Disease, Montreal Heart Institute
Classification: Benign. Last evaluated: 2025-04-09. Review status: criteria provided, single submitter. Criteria: ACMG Guidelines, 2015. Collection method: clinical testing. Allele origin: germline. Affected: no.

Blueprint Genetics
Classification: Likely benign. Last evaluated: 2024-11-25. Review status: criteria provided, single submitter. Criteria: ACMG Guidelines, 2015. Collection method: clinical testing. Allele origin: germline.

Cohesion Phenomics
Classification: Likely benign for Marfan syndrome. Last evaluated: 2022-09-23. Review status: criteria provided, single submitter. Criteria: ACMG Guidelines, 2015. Collection method: clinical testing. Allele origin: germline. Affected: yes.

Genome Diagnostics Laboratory, The Hospital for Sick Children
Classification: Benign for Connective tissue disorder. Last evaluated: 2021-12-20. Review status: criteria provided, single submitter. Criteria: ACMG Guidelines, 2015. Collection method: clinical testing. Allele origin: germline.

Center for Human Genetics, Inc
Classification: Likely benign for Marfan syndrome. Last evaluated: 2018-06-01. Review status: criteria provided, single submitter. Criteria: ACMG Guidelines, 2015. Collection method: clinical testing. Allele origin: germline. Affected: yes.

Color Diagnostics, LLC DBA Color Health
Classification: Benign for Familial thoracic aortic aneurysm and aortic dissection. Last evaluated: 2018-03-08. Review status: criteria provided, single submitter. Criteria: ACMG Guidelines, 2015. Collection method: clinical testing. Allele origin: germline.

Illumina Laboratory Services, Illumina
Classification: Benign for Stiff skin syndrome. Last evaluated: 2018-01-13. Review status: criteria provided, single submitter. Criteria: ICSL Variant Classification Criteria 13 December 2019. Collection method: clinical testing. Allele origin: germline.
Comment: This variant was observed in the ICSL laboratory as part of a predisposition screen in an ostensibly healthy population. It had not been previously curated by ICSL or reported in the Human Gene Mutation Database (HGMD: prior to June 1st, 2018), and was therefore a candidate for classification through an automated scoring system. Utilizing variant allele frequency, disease prevalence and penetrance estimates, and inheritance mode, an automated score was calculated to assess if this variant is too frequent to cause the disease. Based on the score and internal cut-off values, a variant classified as benign is not then subjected to further curation. The score for this variant resulted in a classification of benign for this disease.

Illumina Laboratory Services, Illumina
Classification: Benign for Acromicric dysplasia. Last evaluated: 2018-01-13. Review status: criteria provided, single submitter. Criteria: ICSL Variant Classification Criteria 13 December 2019. Collection method: clinical testing. Allele origin: germline.
Comment: the same text as in the submission from Illumina Laboratory Services, Illumina above.

Illumina Laboratory Services, Illumina
Classification: Likely benign for Familial thoracic aortic aneurysm and aortic dissection. Last evaluated: 2018-01-13. Review status: criteria provided, single submitter. Criteria: ICSL Variant Classification Criteria 13 December 2019. Collection method: clinical testing. Allele origin: germline.
Comment: This variant was observed in the ICSL laboratory as part of a predisposition screen in an ostensibly healthy population. It had not been previously curated by ICSL or reported in the Human Gene Mutation Database (HGMD: prior to June 1st, 2018), and was therefore a candidate for classification through an automated scoring system. Utilizing variant allele frequency, disease prevalence and penetrance estimates, and inheritance mode, an automated score was calculated to assess if this variant is too frequent to cause the disease. Based on the score and internal cut-off values, a variant classified as likely benign is not then subjected to further curation. The score for this variant resulted in a classification of likely benign for this disease.

Illumina Laboratory Services, Illumina
Classification: Benign for Geleophysic dysplasia. Last evaluated: 2018-01-13. Review status: criteria provided, single submitter. Criteria: ICSL Variant Classification Criteria 13 December 2019. Collection method: clinical testing. Allele origin: germline.
Comment: the same text as in the submission from Illumina Laboratory Services, Illumina above.

Illumina Laboratory Services, Illumina
Classification: Benign for Marfan syndrome. Last evaluated: 2018-01-13. Review status: criteria provided, single submitter. Criteria: ICSL Variant Classification Criteria 13 December 2019. Collection method: clinical testing. Allele origin: germline.
Comment: the same text as in the submission from Illumina Laboratory Services, Illumina above.

Illumina Laboratory Services, Illumina
Classification: Benign for Ectopia lentis 1, isolated, autosomal dominant. Last evaluated: 2018-01-13. Review status: criteria provided, single submitter. Criteria: ICSL Variant Classification Criteria 13 December 2019. Collection method: clinical testing. Allele origin: germline.
Comment: the same text as in the submission from Illumina Laboratory Services, Illumina above.

Illumina Laboratory Services, Illumina
Classification: Benign for Weill-Marchesani syndrome. Last evaluated: 2018-01-13. Review status: criteria provided, single submitter. Criteria: ICSL Variant Classification Criteria 13 December 2019. Collection method: clinical testing. Allele origin: germline.
Comment: the same text as in the submission from Illumina Laboratory Services, Illumina above.

Center for Human Genetics, Inc
Classification: Likely benign for Connective tissue disorder. Last evaluated: 2016-11-01. Review status: criteria provided, single submitter. Criteria: ACMG Guidelines, 2015. Collection method: clinical testing. Allele origin: germline. Affected: yes.

Eurofins Ntd Llc (ga)
Classification: Benign. Last evaluated: 2016-07-12. Review status: criteria provided, single submitter. Criteria: EGL Classification Definitions 2015. Collection method: clinical testing. Allele origin: germline. Observed: 1 variant allele, 1 heterozygote.

Mayo Clinic Laboratories, Mayo Clinic
Classification: Benign. Last evaluated: 2016-03-03. Review status: criteria provided, single submitter. Criteria: ACMG Guidelines, 2015. Collection method: clinical testing. Allele origin: germline. Observed: 23 variant alleles.

CHEO Genetics Diagnostic Laboratory, Children's Hospital of Eastern Ontario
Classification: Benign for Familial thoracic aortic aneurysm and aortic dissection. Last evaluated: 2016-02-24. Review status: criteria provided, single submitter. Criteria: ACMG Guidelines, 2015. Collection method: clinical testing. Allele origin: germline. Study: Canadian Open Genetics Repository.

Ambry Genetics
Classification: Likely benign for Familial thoracic aortic aneurysm and aortic dissection. Last evaluated: 2014-08-26. Review status: criteria provided, single submitter. Criteria: Ambry Variant Classification Scheme 2023. Collection method: clinical testing. Allele origin: germline.

GeneDx
Classification: Benign. Last evaluated: 2013-05-09. Review status: criteria provided, single submitter. Criteria: GeneDx Variant Classification (06012015). Collection method: clinical testing. Allele origin: germline. Affected: yes.
Comment: This variant is considered likely benign or benign based on one or more of the following criteria: it is a conservative change, it occurs at a poorly conserved position in the protein, it is predicted to be benign by multiple in silico algorithms, and/or has population frequency not consistent with disease.

Laboratory for Molecular Medicine, Mass General Brigham Personalized Medicine
Classification: Benign. Last evaluated: 2007-11-07. Review status: criteria provided, single submitter. Criteria: LMM Criteria. Collection method: clinical testing. Allele origin: germline. Observed: 16 variant alleles.

Breakthrough Genomics
Classification: Likely benign. Review status: criteria provided, single submitter. Criteria: ACMG Guidelines, 2015. Collection method: not provided. Allele origin: germline. Inheritance: Autosomal dominant inheritance. Affected: yes.

PreventionGenetics, part of Exact Sciences
Classification: Benign. Review status: criteria provided, single submitter. Criteria: ACMG Guidelines, 2015. Collection method: clinical testing. Allele origin: germline.

Women's Health and Genetics/Laboratory Corporation of America, LabCorp
Classification: Benign for Marfan's syndrome. Last evaluated: 2012-02-03. Review status: no assertion criteria provided. Collection method: clinical testing. Allele origin: germline. Not counted in ClinVar's aggregate classification.

Clinical Genetics DNA and cytogenetics Diagnostics Lab, Erasmus MC, Erasmus Medical Center
Classification: Likely benign. Review status: no assertion criteria provided. Collection method: clinical testing. Allele origin: germline. Affected: yes. Study: VKGL Data-share Consensus. Not counted in ClinVar's aggregate classification.

Genome Diagnostics Laboratory, Amsterdam University Medical Center
Classification: Benign. Review status: no assertion criteria provided. Collection method: clinical testing. Allele origin: germline. Affected: yes. Study: VKGL Data-share Consensus. Not counted in ClinVar's aggregate classification.

Joint Genome Diagnostic Labs from Nijmegen and Maastricht, Radboudumc and MUMC+
Classification: Likely benign. Review status: no assertion criteria provided. Collection method: clinical testing. Allele origin: germline. Affected: yes. Study: VKGL Data-share Consensus. Not counted in ClinVar's aggregate classification.